The following is an entry in ClinVar:

ClinVar aggregate classification (germline): Uncertain significance. Review status: criteria provided, multiple submitters, no conflicts (2 of 4 stars). 4 submissions from 4 submitters: Uncertain significance (4). Last evaluated 2024-11-04.

Conditions:
Hereditary cancer-predisposing syndrome. Also called: Tumor predisposition; Hereditary Cancer Syndrome; Neoplastic Syndromes, Hereditary; Hereditary neoplastic syndrome. Identifiers: Orphanet 140162, MedGen C0027672, MeSH D009386, MONDO:0015356.
Familial melanoma. Also called: Hereditary melanoma; Hereditary cutaneous melanoma. Identifiers: Orphanet 618, MedGen C1512419, MONDO:0018961.

Allele frequency attached by ClinVar (database versions not stated): gnomAD exomes 0.00001 and 0.00002; ExAC 0.00002.

Submissions (4):

Women's Health and Genetics/Laboratory Corporation of America, LabCorp
Classification: Uncertain significance. Last evaluated: 2024-11-04. Review status: criteria provided, single submitter. Criteria: LabCorp Variant Classification Summary - May 2015. Collection method: clinical testing. Allele origin: germline.
Comment: Variant summary: CDKN2A c.226G>A (p.Ala76Thr) results in a non-conservative amino acid change located in the ankyrin repeat domain of the encoded protein sequence. Four of five in-silico tools predict a benign effect of the variant on protein function. The variant allele was found at a frequency of 1.9e-05 in 214230 control chromosomes. The available data on variant occurrences in the general population are insufficient to allow any conclusion about variant significance. To our knowledge, no occurrence of c.226G>A in the germline of individuals affected with Cutaneous Malignant Melanoma, Pancreatic Cancer/melanoma Syndrome, or Pancreatic Cancer and no experimental evidence demonstrating its impact on protein function have been reported. ClinVar contains an entry for this variant (Variation ID: 489866). Based on the evidence outlined above, the variant was classified as uncertain significance.

Labcorp Genetics (formerly Invitae), Labcorp
Classification: Uncertain significance for Familial melanoma. Last evaluated: 2024-05-31. Review status: criteria provided, single submitter. Criteria: Invitae Variant Classification Sherloc (09022015). Collection method: clinical testing. Allele origin: germline.
Comment: The CDKN2A gene encodes two different proteins, p16INK4a and p14ARF, which are translated from alternative transcripts with different open reading frames. Both transcripts have been analyzed. We report either the variant with the higher classification or default to the CDKN2A (p16INK4a) variant. This report therefore includes the details for the CDKN2A (p16INK4a) variant. This sequence change replaces alanine, which is neutral and non-polar, with threonine, which is neutral and polar, at codon 76 of the CDKN2A (p16INK4a) protein (p.Ala76Thr). This variant is present in population databases (rs774633329, gnomAD 0.01%). This variant has not been reported in the literature in individuals affected with CDKN2A (p16INK4a)-related conditions. This variant is also known as c.269G>A (p.Arg90His) in the CDKN2A (p14ARF) transcript. ClinVar contains an entry for this variant (Variation ID: 489866). An algorithm developed to predict the effect of missense changes on protein structure and function (PolyPhen-2) suggests that this variant is likely to be tolerated. In summary, the available evidence is currently insufficient to determine the role of this variant in disease. Therefore, it has been classified as a Variant of Uncertain Significance.

Ambry Genetics
Classification: Uncertain significance for Hereditary cancer-predisposing syndrome. Last evaluated: 2024-05-20. Review status: criteria provided, single submitter. Criteria: Ambry Variant Classification Scheme 2023. Collection method: clinical testing. Allele origin: germline.
Comment: The p.A76T variant (also known as c.226G>A), located in coding exon 2 of the CDKN2A gene, results from a G to A substitution at nucleotide position 226. The alanine at codon 76 is replaced by threonine, an amino acid with similar properties. This amino acid position is not well conserved in available vertebrate species. In addition, this alteration is predicted to be tolerated by in silico analysis. Based on the available evidence, the clinical significance of this variant remains unclear.

Color Diagnostics, LLC DBA Color Health
Classification: Uncertain significance for Hereditary cancer-predisposing syndrome. Last evaluated: 2018-10-24. Review status: criteria provided, single submitter. Criteria: ACMG Guidelines, 2015. Collection method: clinical testing. Allele origin: germline.

NM_000077.5(CDKN2A):c.226G>A (p.Ala76Thr)

Gene: CDKN2A (cyclin dependent kinase inhibitor 2A; minus strand). Cytogenetic location: 9p21.3.
Variant type: single nucleotide variant.
Coding change: c.226G>A on transcript NM_000077.5; coding-DNA position 226, G replaced by A.
Protein change: p.Ala76Thr; replaces alanine 76 with threonine.
Molecular consequence: missense variant (on NM_000077.6). On other transcripts: 3 prime UTR variant (1).
Genome position (GRCh38, 1-based): chr9:21,971,133, C>T on the plus strand (G>A on the coding strand, the complement: CDKN2A is on the minus strand). VCF-style: chr9-21971133-C-T. GRCh37 (hg19) VCF-style: chr9-21971132-C-T.
Other names: c.226G>A, p.Ala76Thr (NM_000077.6, NM_001195132.2); c.73G>A, p.Ala25Thr (NM_001363763.2); c.269G>A, p.Arg90His (NM_058195.4); c.*149G>A (NM_058197.5); short protein forms A76T, R90H, A25T.
Identifiers: ClinVar variation 489866 (VCV000489866.18), dbSNP rs774633329, ClinGen allele CA5012199.
Genomic context (GRCh38, chr9:21,971,133, plus strand): 5'-CCACCAGCGTGTCCAGGAAGCCCTCCCGGGCAGCGTCGTGCACGGGTCGGGTGAGAGTGG[C>T]GGGGTCGGCGCAGTTGGGCTCCGCGCCGTGGAGCAGCAGCAGCTCCGCCACTCGGGCGCT-3'
Protein context (NP_000068.1, residues 66-86): HGAEPNCADP[Ala76Thr]TLTRPVHDAA